The following is an entry in ClinVar:

ClinVar aggregate classification (germline): Pathogenic. Review status: criteria provided, multiple submitters, no conflicts (2 of 4 stars). 2 submissions from 2 submitters: Pathogenic (2). Last evaluated 2025-08-20.

Conditions:
Mitochondrial complex II deficiency, nuclear type 1. Also called: SUCCINATE CoQ REDUCTASE DEFICIENCY. Identifiers: Orphanet 3208, MedGen C5700310, MONDO:0100294, OMIM 252011.
Pheochromocytoma/paraganglioma syndrome 5. Also called: Paragangliomas 5; SDHA-Related Hereditary Paraganglioma-Pheochromocytoma Syndrome. Identifiers: Orphanet 29072, MedGen C3279992, MONDO:0013602, OMIM 614165.
Hereditary cancer-predisposing syndrome. Also called: Tumor predisposition; Hereditary Cancer Syndrome; Neoplastic Syndromes, Hereditary; Hereditary neoplastic syndrome. Identifiers: Orphanet 140162, MedGen C0027672, MeSH D009386, MONDO:0015356.

Submissions (2):

Labcorp Genetics (formerly Invitae), Labcorp
Classification: Pathogenic for Pheochromocytoma/paraganglioma syndrome 5; Mitochondrial complex II deficiency, nuclear type 1. Last evaluated: 2025-08-20. Review status: criteria provided, single submitter. Criteria: Invitae Variant Classification Sherloc (09022015). Collection method: clinical testing. Allele origin: germline.
Comment: This sequence change creates a premature translational stop signal (p.Gly157Alafs*69) in the SDHA gene. It is expected to result in an absent or disrupted protein product. Loss-of-function variants in SDHA are known to be pathogenic (PMID: 22974104, 24781757). This variant is not present in population databases (gnomAD no frequency). This variant has not been reported in the literature in individuals affected with SDHA-related conditions. ClinVar contains an entry for this variant (Variation ID: 3223747). For these reasons, this variant has been classified as Pathogenic.

Ambry Genetics
Classification: Pathogenic for Hereditary cancer-predisposing syndrome. Last evaluated: 2023-10-04. Review status: criteria provided, single submitter. Criteria: Ambry Variant Classification Scheme 2023. Collection method: clinical testing. Allele origin: germline.
Comment: The c.470delG pathogenic mutation, located in coding exon 5 of the SDHA gene, results from a deletion of one nucleotide at nucleotide position 470, causing a translational frameshift with a predicted alternate stop codon (p.G157Afs*69). This alteration is expected to result in loss of function by premature protein truncation or nonsense-mediated mRNA decay. As such, this alteration is interpreted as a disease-causing mutation.

Literature cited by the submitters: PubMed 22974104 (cited by Labcorp Genetics (formerly Invitae), Labcorp); PubMed 24781757 (cited by Labcorp Genetics (formerly Invitae), Labcorp).

NM_004168.4(SDHA):c.470del (p.Gly157fs)

Gene: SDHA (succinate dehydrogenase complex flavoprotein subunit A; plus strand). Cytogenetic location: 5p15.33.
Variant type: Deletion.
Coding change: c.470del on transcript NM_004168.4 (MANE Select); coding-DNA position 470, one base deleted (G; older notation c.470delG).
Protein change: p.Gly157fs; shifts the reading frame from glycine 157.
Molecular consequence: frameshift variant.
Genome position (GRCh38, 1-based): chr5:225,896, G deleted; the last of 2 consecutive G bases (chr5:225,895-225,896); deleting either gives the same sequence. VCF-style (leftmost placement, unchanged base first): chr5-225894-TG-T. GRCh37 (hg19) VCF-style: chr5-226009-TG-T.
Other names: c.326del, p.Gly109fs (NM_001294332.2); c.470del, p.Gly157fs (NM_001330758.2); short protein forms G109fs, G157fs.
Identifiers: ClinVar variation 3223747 (VCV003223747.2), dbSNP rs2477298889, ClinGen allele CA2825001401.